The following is an entry in ClinVar:

NM_001928.4(CFD):c.220G>C (p.Gly74Arg)

Gene: CFD (complement factor D; plus strand). Cytogenetic location: 19p13.3.
Variant type: single nucleotide variant.
Coding change: c.220G>C on transcript NM_001928.4 (MANE Select); coding-DNA position 220, G replaced by C.
Protein change: p.Gly74Arg; replaces glycine 74 with arginine.
Molecular consequence: missense variant.
Genome position (GRCh38, 1-based): chr19:860,868, G>C. VCF-style: chr19-860868-G-C. GRCh37 (hg19) VCF-style: chr19-860868-G-C.
Other names: c.241G>C, p.Gly81Arg (NM_001317335.2); short protein forms G74R, G81R.
Identifiers: ClinVar variation 1385725 (VCV001385725.6), dbSNP rs1379347966, ClinGen allele CA402920861.

ClinVar aggregate classification (germline): Uncertain significance (1 of 4 stars; one submission).

Submission:

Labcorp Genetics (formerly Invitae), Labcorp
Classification: Uncertain significance. Last evaluated: 2021-10-10. Review status: criteria provided, single submitter. Criteria: Invitae Variant Classification Sherloc (09022015). Collection method: clinical testing. Allele origin: germline.
Comment: This sequence change replaces glycine with arginine at codon 74 of the CFD protein (p.Gly74Arg). The glycine residue is weakly conserved and there is a moderate physicochemical difference between glycine and arginine. This variant is not present in population databases (ExAC no frequency). This variant has not been reported in the literature in individuals affected with CFD-related conditions. Algorithms developed to predict the effect of missense changes on protein structure and function output the following: SIFT: "Not Available"; PolyPhen-2: "Benign"; Align-GVGD: "Not Available". The arginine amino acid residue is found in multiple mammalian species, which suggests that this missense change does not adversely affect protein function. In summary, the available evidence is currently insufficient to determine the role of this variant in disease. Therefore, it has been classified as a Variant of Uncertain Significance.